The following is an entry in ClinVar:

NM_005732.4(RAD50):c.1841A>T (p.Glu614Val)

Gene: RAD50 (RAD50 double strand break repair protein; plus strand). Cytogenetic location: 5q31.1.
Variant type: single nucleotide variant.
Coding change: c.1841A>T on transcript NM_005732.4 (MANE Select); coding-DNA position 1841, A replaced by T.
Protein change: p.Glu614Val; replaces glutamic acid 614 with valine.
Molecular consequence: missense variant.
Genome position (GRCh38, 1-based): chr5:132,594,916, A>T. VCF-style: chr5-132594916-A-T. GRCh37 (hg19) VCF-style: chr5-131930608-A-T.
Other names: short protein forms E614V.
Identifiers: ClinVar variation 998503 (VCV000998503.9), dbSNP rs1750762052, ClinGen allele CA360947663.
Genomic context (GRCh38, chr5:132,594,916, plus strand): 5'-GCTCTTATTTTAGCAAGGAACTAGCTTCATCTGAGCAGAATAAAAATCATATAAATAATG[A>T]ACTAAAAAGAAAGGAAGAGCAGTTGTCCAGTTACGAAGACAAGCTGTTTGATGTTTGTGG-3'
Protein context (NP_005723.2, residues 604-624): SEQNKNHINN[Glu614Val]LKRKEEQLSS

ClinVar aggregate classification (germline): Uncertain significance (1 of 4 stars; one submission).

Conditions:
Hereditary cancer-predisposing syndrome. Also called: Neoplastic Syndromes, Hereditary; Tumor predisposition; Hereditary Cancer Syndrome; Hereditary neoplastic syndrome. Identifiers: Orphanet 140162, MedGen C0027672, MeSH D009386, MONDO:0015356.

Submission:

Labcorp Genetics (formerly Invitae), Labcorp
Classification: Uncertain significance for Hereditary cancer-predisposing syndrome. Last evaluated: 2020-09-21. Review status: criteria provided, single submitter. Criteria: Invitae Variant Classification Sherloc (09022015). Collection method: clinical testing. Allele origin: germline.
Comment: In summary, the available evidence is currently insufficient to determine the role of this variant in disease. Therefore, it has been classified as a Variant of Uncertain Significance. Algorithms developed to predict the effect of missense changes on protein structure and function are either unavailable or do not agree on the potential impact of this missense change (SIFT: "Deleterious"; PolyPhen-2: "Possibly Damaging"; Align-GVGD: "Class C0"). This variant has not been reported in the literature in individuals with RAD50-related conditions. This variant is not present in population databases (ExAC no frequency). This sequence change replaces glutamic acid with valine at codon 614 of the RAD50 protein (p.Glu614Val). The glutamic acid residue is moderately conserved and there is a moderate physicochemical difference between glutamic acid and valine.